The following is an entry in ClinVar:

ClinVar aggregate classification (germline): Uncertain significance (1 of 4 stars; one submission).

Conditions:
Hereditary cancer-predisposing syndrome. Also called: Hereditary Cancer Syndrome; Tumor predisposition; Hereditary neoplastic syndrome; Neoplastic Syndromes, Hereditary. Identifiers: Orphanet 140162, MedGen C0027672, MeSH D009386, MONDO:0015356.

Submission:

Labcorp Genetics (formerly Invitae), Labcorp
Classification: Uncertain significance for Hereditary cancer-predisposing syndrome. Last evaluated: 2024-08-20. Review status: criteria provided, single submitter. Criteria: Invitae Variant Classification Sherloc (09022015). Collection method: clinical testing. Allele origin: germline.
Comment: This sequence change replaces asparagine, which is neutral and polar, with isoleucine, which is neutral and non-polar, at codon 509 of the RAD50 protein (p.Asn509Ile). This variant is not present in population databases (gnomAD no frequency). This variant has not been reported in the literature in individuals affected with RAD50-related conditions. Invitae Evidence Modeling of protein sequence and biophysical properties (such as structural, functional, and spatial information, amino acid conservation, physicochemical variation, residue mobility, and thermodynamic stability) indicates that this missense variant is not expected to disrupt RAD50 protein function with a negative predictive value of 80%. In summary, the available evidence is currently insufficient to determine the role of this variant in disease. Therefore, it has been classified as a Variant of Uncertain Significance.

NM_005732.4(RAD50):c.1526A>T (p.Asn509Ile)

Gene: RAD50 (RAD50 double strand break repair protein; plus strand). Cytogenetic location: 5q31.1.
Variant type: single nucleotide variant.
Coding change: c.1526A>T on transcript NM_005732.4 (MANE Select); coding-DNA position 1526, A replaced by T.
Protein change: p.Asn509Ile; replaces asparagine 509 with isoleucine.
Molecular consequence: missense variant.
Genome position (GRCh38, 1-based): chr5:132,591,297, A>T. VCF-style: chr5-132591297-A-T. GRCh37 (hg19) VCF-style: chr5-131926989-A-T.
Other names: short protein forms N509I.
Identifiers: ClinVar variation 3662999 (VCV003662999.2).